The following is an entry in ClinVar:

ClinVar aggregate classification (germline): Benign/Likely benign. Review status: criteria provided, multiple submitters, no conflicts (2 of 4 stars). 3 submissions from 3 submitters: Benign (2); Likely benign (1). Last evaluated 2022-12-01.

Allele frequency attached by ClinVar (database versions not stated): 1000 Genomes Project 0.00140; 1000 Genomes Project 30x 0.00141; TOPMed 0.00454; gnomAD 0.00495 and 0.00522; gnomAD exomes 0.00501; ExAC 0.00518; ESP Exome Variant Server 0.00630.
gnomAD v4.1: 10,296 of 1,613,308 alleles (0.64%); highest among the groups gnomAD compares: Non-Finnish European, 0.76%; 45 homozygotes.

Submissions (3):

CeGaT Center for Human Genetics Tuebingen
Classification: Likely benign. Last evaluated: 2022-12-01. Review status: criteria provided, single submitter. Criteria: CeGaT Center For Human Genetics Tuebingen Variant Classification Criteria Version 2. Collection method: clinical testing. Allele origin: germline. Affected: yes. Observed: 1 variant allele.
Comment: SLC26A7: BS2

Labcorp Genetics (formerly Invitae), Labcorp
Classification: Benign. Last evaluated: 2018-06-26. Review status: criteria provided, single submitter. Criteria: Invitae Variant Classification Sherloc (09022015). Collection method: clinical testing. Allele origin: germline.

Breakthrough Genomics
Classification: Benign. Review status: criteria provided, single submitter. Criteria: ACMG Guidelines, 2015. Collection method: not provided. Allele origin: germline. Inheritance: Unknown mechanism. Affected: yes.

NM_052832.4(SLC26A7):c.1363G>A (p.Val455Met)

Gene: SLC26A7 (solute carrier family 26 member 7; plus strand). Cytogenetic location: 8q21.3.
Variant type: single nucleotide variant.
Coding change: c.1363G>A on transcript NM_052832.4 (MANE Select); coding-DNA position 1363, G replaced by A.
Protein change: p.Val455Met; replaces valine 455 with methionine.
Molecular consequence: missense variant.
Genome position (GRCh38, 1-based): chr8:91,362,401, G>A. VCF-style: chr8-91362401-G-A. GRCh37 (hg19) VCF-style: chr8-92374629-G-A.
Other names: c.1363G>A, p.Val455Met (NM_001282356.2, NM_134266.2); c.460G>A, p.Val154Met (NM_001282357.2); short protein forms V154M, V455M.
Identifiers: ClinVar variation 774883 (VCV000774883.28), dbSNP rs145779342, ClinGen allele CA4805500.